The following is an entry in ClinVar:

ClinVar aggregate classification (germline): Uncertain significance (1 of 4 stars; one submission).

Conditions:
Inborn genetic diseases. Identifiers: MedGen C0950123, MeSH D030342.

gnomAD v4.1: 31 of 1,597,742 alleles (0.0019%); highest among the groups gnomAD compares: Non-Finnish European, 0.0026%; no homozygotes.

Submission:

Ambry Genetics
Classification: Uncertain significance for Inborn genetic diseases. Last evaluated: 2026-03-23. Review status: criteria provided, single submitter. Criteria: Ambry Variant Classification Scheme 2023. Collection method: clinical testing. Allele origin: germline.
Comment: The c.1454C>T (p.A485V) alteration is located in exon 13 (coding exon 12) of the PPFIA3 gene. This alteration results from a C to T substitution at nucleotide position 1454, causing the alanine (A) at amino acid position 485 to be replaced by a valine (V). Based on data from gnomAD, the T allele has an overall frequency of <0.001% (1/238936) total alleles studied. The highest observed frequency was 0.001% (1/108026) of European (non-Finnish) alleles. Based on insufficient or conflicting evidence, the clinical significance of this alteration remains unclear.

NM_003660.4(PPFIA3):c.1454C>T (p.Ala485Val)

Gene: PPFIA3 (PPFI scaffold protein A3; plus strand). Cytogenetic location: 19q13.33.
Variant type: single nucleotide variant.
Coding change: c.1454C>T on transcript NM_003660.4 (MANE Select); coding-DNA position 1454, C replaced by T.
Protein change: p.Ala485Val; replaces alanine 485 with valine.
Molecular consequence: missense variant. On other transcripts: non-coding transcript variant (1).
Genome position (GRCh38, 1-based): chr19:49,134,849, C>T. VCF-style: chr19-49134849-C-T. GRCh37 (hg19) VCF-style: chr19-49638106-C-T.
Other names: short protein forms A485V.
Identifiers: ClinVar variation 4862432 (VCV004862432.1).